The following is an entry in ClinVar:

NM_017662.5(TRPM6):c.4316C>G (p.Pro1439Arg)

Gene: TRPM6 (transient receptor potential cation channel subfamily M member 6; minus strand). Cytogenetic location: 9q21.13.
Variant type: single nucleotide variant.
Coding change: c.4316C>G on transcript NM_017662.5 (MANE Select); coding-DNA position 4316, C replaced by G.
Protein change: p.Pro1439Arg; replaces proline 1439 with arginine.
Molecular consequence: missense variant.
Genome position (GRCh38, 1-based): chr9:74,762,355, G>C on the plus strand (C>G on the coding strand, the complement: TRPM6 is on the minus strand). VCF-style: chr9-74762355-G-C. GRCh37 (hg19) VCF-style: chr9-77377271-G-C.
Other names: c.4301C>G, p.Pro1434Arg (NM_001177310.2, NM_001177311.2); c.4316C>G (NM_017662.4); short protein forms P1439R, P1434R.
Identifiers: ClinVar variation 1498113 (VCV001498113.7), dbSNP rs112935687, ClinGen allele CA194289909.

ClinVar aggregate classification (germline): Uncertain significance. Review status: criteria provided, multiple submitters, no conflicts (2 of 4 stars). 2 submissions from 2 submitters: Uncertain significance (2). Last evaluated 2023-11-19.

Conditions:
Inborn genetic diseases. Identifiers: MedGen C0950123, MeSH D030342.

Allele frequency attached by ClinVar (database versions not stated): TOPMed 0.00002.
gnomAD v4.1: 28 of 1,614,230 alleles (0.0017%); highest among the groups gnomAD compares: African/African-American, 0.019%; no homozygotes.

Submissions (2):

Labcorp Genetics (formerly Invitae), Labcorp
Classification: Uncertain significance. Last evaluated: 2023-11-19. Review status: criteria provided, single submitter. Criteria: Invitae Variant Classification Sherloc (09022015). Collection method: clinical testing. Allele origin: germline.
Comment: This sequence change replaces proline, which is neutral and non-polar, with arginine, which is basic and polar, at codon 1439 of the TRPM6 protein (p.Pro1439Arg). This variant is not present in population databases (gnomAD no frequency). This variant has not been reported in the literature in individuals affected with TRPM6-related conditions. ClinVar contains an entry for this variant (Variation ID: 1498113). An algorithm developed to predict the effect of missense changes on protein structure and function (PolyPhen-2) suggests that this variant is likely to be tolerated. In summary, the available evidence is currently insufficient to determine the role of this variant in disease. Therefore, it has been classified as a Variant of Uncertain Significance.

Ambry Genetics
Classification: Uncertain significance for Inborn genetic diseases. Last evaluated: 2022-06-24. Review status: criteria provided, single submitter. Criteria: Ambry Variant Classification Scheme 2023. Collection method: clinical testing. Allele origin: germline.